The following is an entry in ClinVar:

ClinVar aggregate classification (germline): Uncertain significance. Review status: criteria provided, multiple submitters, no conflicts (2 of 4 stars). 2 submissions from 2 submitters: Uncertain significance (2). Last evaluated 2025-08-13.

Conditions:
Glycogen storage disease type III (GSD3). Also called: Cori disease; FORBES DISEASE. Identifiers: Orphanet 366, MedGen C0017922, MONDO:0009291, OMIM 232400.

gnomAD v4.1: 3 of 1,613,874 alleles (0.00019%); highest among the groups gnomAD compares: Non-Finnish European, 0.00017%; no homozygotes.

Submissions (2):

Labcorp Genetics (formerly Invitae), Labcorp
Classification: Uncertain significance for Glycogen storage disease type III. Last evaluated: 2025-08-13. Review status: criteria provided, single submitter. Criteria: Invitae Variant Classification Sherloc (09022015). Collection method: clinical testing. Allele origin: germline.
Comment: This sequence change replaces proline, which is neutral and non-polar, with arginine, which is basic and polar, at codon 272 of the AGL protein (p.Pro272Arg). This variant is not present in population databases (gnomAD no frequency). This variant has not been reported in the literature in individuals affected with AGL-related conditions. ClinVar contains an entry for this variant (Variation ID: 3776352). Invitae Evidence Modeling of protein sequence and biophysical properties (such as structural, functional, and spatial information, amino acid conservation, physicochemical variation, residue mobility, and thermodynamic stability) indicates that this missense variant is expected to disrupt AGL protein function with a positive predictive value of 80%. In summary, the available evidence is currently insufficient to determine the role of this variant in disease. Therefore, it has been classified as a Variant of Uncertain Significance.

GeneDx
Classification: Uncertain significance. Last evaluated: 2024-10-03. Review status: criteria provided, single submitter. Criteria: GeneDx Variant Classification Process June 2021. Collection method: clinical testing. Allele origin: germline. Affected: yes.
Comment: Not observed at significant frequency in large population cohorts (gnomAD); In silico analysis supports that this missense variant has a deleterious effect on protein structure/function; Has not been previously published as pathogenic or benign to our knowledge

NM_000642.3(AGL):c.815C>G (p.Pro272Arg)

Gene: AGL (amylo-alpha-1,6-glucosidase and 4-alpha-glucanotransferase; plus strand). Cytogenetic location: 1p21.2.
Variant type: single nucleotide variant.
Coding change: c.815C>G on transcript NM_000642.3 (MANE Select); coding-DNA position 815, C replaced by G.
Protein change: p.Pro272Arg; replaces proline 272 with arginine.
Molecular consequence: missense variant.
Genome position (GRCh38, 1-based): chr1:99,870,550, C>G. VCF-style: chr1-99870550-C-G. GRCh37 (hg19) VCF-style: chr1-100336106-C-G.
Other names: c.815C>G, p.Pro272Arg (NM_000028.3, NM_000643.3, NM_000644.3 and 3 more transcripts); c.767C>G, p.Pro256Arg (NM_000646.3); c.611C>G, p.Pro204Arg (NM_001425328.1, NM_001425329.1); c.437C>G, p.Pro146Arg (NM_001425332.1); short protein forms P146R, P204R, P256R, P272R.
Identifiers: ClinVar variation 3776352 (VCV003776352.2).